The following is an entry in ClinVar:

ClinVar aggregate classification (germline): Conflicting classifications of pathogenicity. Review status: criteria provided, conflicting classifications (1 of 4 stars). 2 submissions from 2 submitters: Uncertain significance (1); Likely benign (1). Last evaluated 2026-01-16.

Conditions:
Hereditary cancer-predisposing syndrome. Also called: Hereditary neoplastic syndrome; Neoplastic Syndromes, Hereditary; Tumor predisposition; Hereditary Cancer Syndrome. Identifiers: Orphanet 140162, MedGen C0027672, MeSH D009386, MONDO:0015356.
Rhabdoid tumor predisposition syndrome 2 (RTPS2). Identifiers: Orphanet 231108, Orphanet 69077, MedGen C2750074, MONDO:0013224, OMIM 613325.

Allele frequency attached by ClinVar (database versions not stated): gnomAD exomes 0.00001.
gnomAD v4.1: 12 of 1,599,340 alleles (0.00075%); highest among the groups gnomAD compares: Middle Eastern, 0.017%; no homozygotes.

Submissions (2):

Labcorp Genetics (formerly Invitae), Labcorp
Classification: Likely benign for Rhabdoid tumor predisposition syndrome 2. Last evaluated: 2026-01-16. Review status: criteria provided, single submitter. Criteria: Invitae Variant Classification Sherloc (09022015). Collection method: clinical testing. Allele origin: germline.

Sema4
Classification: Uncertain significance for Hereditary cancer-predisposing syndrome. Last evaluated: 2021-06-28. Review status: criteria provided, single submitter. Criteria: Sema4 Curation Guidelines. Collection method: curation. Allele origin: germline.
Comment: The SMARCA4 c.2616+6G>A variant has not been reported in the literature to our knowledge. This variant was observed in 1/111884 chromosomes in the Non-Finnish European population, according to the Genome Aggregation Database (PMID: 32461654). This variant has been reported in ClinVar (Variation ID 470314). In silico tools that predict the effect of sequence changes on splicing suggest that this variant has no impact on splicing, though these predictions have not been confirmed by functional studies. The overall evidence is insufficient to meet ACMG/AMP criteria for classifying it as benign or pathogenic. In summary, the clinical significance of this variant is currently uncertain.

NM_003072.5(SMARCA4):c.2616+6G>A

Gene: SMARCA4 (SWI/SNF related BAF chromatin remodeling complex subunit ATPase 4; plus strand). Cytogenetic location: 19p13.2.
Variant type: single nucleotide variant.
Coding change: c.2616+6G>A on transcript NM_003072.5 (MANE Select); 6 bases into the intron after coding-DNA position 2616, G replaced by A.
Molecular consequence: intron variant.
Genome position (GRCh38, 1-based): chr19:11,019,707, G>A. VCF-style: chr19-11019707-G-A. GRCh37 (hg19) VCF-style: chr19-11130383-G-A.
Other names: c.2616+6G>A (NM_001128844.3, NM_001128849.3, NM_001128847.4 and 5 more transcripts).
Identifiers: ClinVar variation 470314 (VCV000470314.13), dbSNP rs766415751, ClinGen allele CA631759236.
Genomic context (GRCh38, chr19:11,019,707, plus strand): 5'-CGTCTTGCTGACGACGTACGAGTACATCATCAAAGACAAGCACATCCTCGCCAAGGTAAC[G>A]TGTCCCTGTGGGAAATGCCAGGCCATGGGCCGAGTGCTCACACGTGGGTCACGCTGCCCG-3'